The following is an entry in ClinVar:

ClinVar aggregate classification (germline): Likely pathogenic (1 of 4 stars; one submission).

gnomAD v4.1: 2 of 1,613,304 alleles (0.00012%); highest among the groups gnomAD compares: Non-Finnish European, 0.00017%; no homozygotes.

Submission:

Labcorp Genetics (formerly Invitae), Labcorp
Classification: Likely pathogenic. Last evaluated: 2026-01-05. Review status: criteria provided, single submitter. Criteria: Invitae Variant Classification Sherloc (09022015). Collection method: clinical testing. Allele origin: germline.
Comment: This sequence change affects a donor splice site in intron 3 of the DUOX2 gene. It is expected to disrupt RNA splicing. Variants that disrupt the donor or acceptor splice site typically lead to a loss of protein function (PMID: 16199547), and loss-of-function variants in DUOX2 are known to be pathogenic (PMID: 12110737, 18765513, 21565790, 24423310, 24735383). This variant is not present in population databases (gnomAD no frequency). This variant has not been reported in the literature in individuals affected with DUOX2-related conditions. ClinVar contains an entry for this variant (Variation ID: 3696092). Algorithms developed to predict the effect of sequence changes on RNA splicing suggest that this variant may disrupt the consensus splice site. In summary, the currently available evidence indicates that the variant is pathogenic, but additional data are needed to prove that conclusively. Therefore, this variant has been classified as Likely Pathogenic.

Literature cited by the submitters: PubMed 16199547; PubMed 12110737; PubMed 18765513; PubMed 21565790; PubMed 24423310; PubMed 24735383.

NM_001363711.2(DUOX2):c.160+2T>C

Gene: DUOX2 (dual oxidase 2; minus strand). Cytogenetic location: 15q21.1.
Variant type: single nucleotide variant.
Coding change: c.160+2T>C on transcript NM_001363711.2 (MANE Select); the canonical splice donor site of the intron after coding-DNA position 160, T replaced by C.
Molecular consequence: splice donor variant.
Genome position (GRCh38, 1-based): chr15:45,112,985, A>G on the plus strand (T>C on the coding strand, the complement: DUOX2 is on the minus strand). VCF-style: chr15-45112985-A-G. GRCh37 (hg19) VCF-style: chr15-45405183-A-G.
Other names: c.160+2T>C (NM_014080.5).
Identifiers: ClinVar variation 3696092 (VCV003696092.2).